The following is an entry in ClinVar:

NM_001352754.2(ARMC9):c.2068G>C (p.Ala690Pro)

Gene: ARMC9 (armadillo repeat containing 9; plus strand). Cytogenetic location: 2q37.1.
Variant type: single nucleotide variant.
Coding change: c.2068G>C on transcript NM_001352754.2 (MANE Select); coding-DNA position 2068, G replaced by C.
Protein change: p.Ala690Pro; replaces alanine 690 with proline.
Molecular consequence: missense variant.
Genome position (GRCh38, 1-based): chr2:231,355,871, G>C. VCF-style: chr2-231355871-G-C. GRCh37 (hg19) VCF-style: chr2-232220583-G-C.
Other names: c.2068G>C, p.Ala690Pro (NM_001271466.4); short protein forms A690P.
Identifiers: ClinVar variation 1004317 (VCV001004317.7), dbSNP rs767069680, ClinGen allele CA66860949.

ClinVar aggregate classification (germline): Uncertain significance (1 of 4 stars; one submission).

Allele frequency attached by ClinVar (database versions not stated): TOPMed 0.00010.
gnomAD v4.1: 226 of 1,535,994 alleles (0.015%); highest among the groups gnomAD compares: Non-Finnish European, 0.019%; no homozygotes.

Submission:

Labcorp Genetics (formerly Invitae), Labcorp
Classification: Uncertain significance. Last evaluated: 2024-10-24. Review status: criteria provided, single submitter. Criteria: Invitae Variant Classification Sherloc (09022015). Collection method: clinical testing. Allele origin: germline.
Comment: This sequence change replaces alanine, which is neutral and non-polar, with proline, which is neutral and non-polar, at codon 690 of the ARMC9 protein (p.Ala690Pro). This variant is present in population databases (rs767069680, gnomAD 0.01%). This variant has not been reported in the literature in individuals affected with ARMC9-related conditions. ClinVar contains an entry for this variant (Variation ID: 1004317). Experimental studies and prediction algorithms are not available or were not evaluated, and the functional significance of this variant is currently unknown. In summary, the available evidence is currently insufficient to determine the role of this variant in disease. Therefore, it has been classified as a Variant of Uncertain Significance.